The following is an entry in ClinVar:

NM_000465.4(BARD1):c.1904-13G>A

Gene: BARD1 (BRCA1 associated RING domain 1; minus strand). Cytogenetic location: 2q35.
Variant type: single nucleotide variant.
Coding change: c.1904-13G>A on transcript NM_000465.4 (MANE Select); 13 bases into the intron before coding-DNA position 1904, G replaced by A.
Molecular consequence: intron variant.
Genome position (GRCh38, 1-based): chr2:214,730,521, C>T on the plus strand (G>A on the coding strand, the complement: BARD1 is on the minus strand). VCF-style: chr2-214730521-C-T. GRCh37 (hg19) VCF-style: chr2-215595245-C-T.
Other names: c.494-13G>A (NM_001282548.2); c.1847-13G>A (NM_001282543.2); c.551-13G>A (NM_001282545.2); c.365-13G>A (NM_001282549.2).
Identifiers: ClinVar variation 3378841 (VCV003378841.1).

ClinVar aggregate classification (germline): Likely benign (1 of 4 stars; one submission).

Conditions:
Familial cancer of breast. Also called: hereditary breast carcinoma; Hereditary breast cancer; BREAST CANCER, FAMILIAL. Identifiers: Orphanet 227535, MedGen C0346153, MONDO:0016419, OMIM 114480. Disease mechanism: loss of function.

gnomAD v4.1: 1 of 1,605,686 alleles (0.000062%); highest among the groups gnomAD compares: Non-Finnish European, 0.000085%; no homozygotes.

Submission:

Myriad Genetics, Inc.
Classification: Likely benign for Familial cancer of breast. Last evaluated: 2024-07-29. Review status: criteria provided, single submitter. Criteria: Myriad Autosomal Dominant, Autosomal Recessive and X-Linked Classification Criteria (2023). Collection method: clinical testing. Allele origin: unknown.
Comment: This variant is considered likely benign. This variant is intronic and is not expected to impact mRNA splicing.